The following is an entry in ClinVar:

NM_004525.3(LRP2):c.387C>T (p.His129=)

Gene: LRP2 (LDL receptor related protein 2; minus strand). Cytogenetic location: 2q31.1.
Variant type: single nucleotide variant.
Coding change: c.387C>T on transcript NM_004525.3 (MANE Select); coding-DNA position 387, C replaced by T.
Protein change: p.His129=; no amino-acid change (histidine 129 retained).
Molecular consequence: synonymous variant.
Genome position (GRCh38, 1-based): chr2:169,307,321, G>A on the plus strand (C>T on the coding strand, the complement: LRP2 is on the minus strand). VCF-style: chr2-169307321-G-A. GRCh37 (hg19) VCF-style: chr2-170163831-G-A.
Other names: c.387C>T (NM_004525.2).
Identifiers: ClinVar variation 2892924 (VCV002892924.6), dbSNP rs752927597, ClinGen allele CA1955897.
Genomic context (GRCh38, chr2:169,307,321, plus strand): 5'-AAGGACTAAAACAGACTCACGGCAGTCATTCTCATCAGCTCCATCGGGGCAGTCTCTGAC[G>A]TGGTCGCACCTGTATTCACTTGGGATACACTGACCATTGGAGCATGTTATCTGATGACTT-3'
Protein context (NP_004516.2, residues 119-139): QCIPSEYRCD[His129=]VRDCPDGADE

ClinVar aggregate classification (germline): Likely benign. Review status: criteria provided, multiple submitters, no conflicts (2 of 4 stars). 3 submissions from 3 submitters: Likely benign (2). 1 of the submissions does not count toward it. Last evaluated 2025-04-14.

Conditions:
LRP2-related disorder. Also called: LRP2-related condition.

Allele frequency attached by ClinVar (database versions not stated): gnomAD 0.00001; ExAC 0.00003.

Submissions (3):

Labcorp Genetics (formerly Invitae), Labcorp
Classification: Likely benign. Last evaluated: 2025-04-14. Review status: criteria provided, single submitter. Criteria: Invitae Variant Classification Sherloc (09022015). Collection method: clinical testing. Allele origin: germline.

Blueprint Genetics
Classification: Likely benign. Last evaluated: 2024-10-15. Review status: criteria provided, single submitter. Criteria: ACMG Guidelines, 2015. Collection method: clinical testing. Allele origin: germline.

PreventionGenetics, part of Exact Sciences
Classification: Likely benign for LRP2-related condition. Last evaluated: 2021-06-08. Review status: no assertion criteria provided. Collection method: clinical testing. Allele origin: germline. Not counted in ClinVar's aggregate classification.
Comment: This variant is classified as likely benign based on ACMG/AMP sequence variant interpretation guidelines (Richards et al. 2015 PMID: 25741868, with internal and published modifications).